The following is an entry in ClinVar:

NM_004655.4(AXIN2):c.785G>A (p.Arg262Lys)

Gene: AXIN2 (axin 2; minus strand). Cytogenetic location: 17q24.1.
Variant type: single nucleotide variant.
Coding change: c.785G>A on transcript NM_004655.4 (MANE Select); coding-DNA position 785, G replaced by A.
Protein change: p.Arg262Lys; replaces arginine 262 with lysine.
Molecular consequence: missense variant.
Genome position (GRCh38, 1-based): chr17:65,557,836, C>T on the plus strand (G>A on the coding strand, the complement: AXIN2 is on the minus strand). VCF-style: chr17-65557836-C-T. GRCh37 (hg19) VCF-style: chr17-63553954-C-T.
Other names: c.785G>A, p.Arg262Lys (NM_001363813.1); c.785G>A (LRG_296t1); short protein forms R262K.
Identifiers: ClinVar variation 240031 (VCV000240031.12), dbSNP rs878854734, ClinGen allele CA10583660.

ClinVar aggregate classification (germline): Uncertain significance. Review status: criteria provided, multiple submitters, no conflicts (2 of 4 stars). 2 submissions from 2 submitters: Uncertain significance (2). Last evaluated 2024-10-17.

Conditions:
Hereditary cancer-predisposing syndrome. Also called: Neoplastic Syndromes, Hereditary; Hereditary neoplastic syndrome; Tumor predisposition; Hereditary Cancer Syndrome. Identifiers: Orphanet 140162, MedGen C0027672, MeSH D009386, MONDO:0015356.
Oligodontia-cancer predisposition syndrome. Also called: TOOTH AGENESIS-COLORECTAL CANCER SYNDROME. Identifiers: Orphanet 300576, MedGen C1837750, MONDO:0012075, OMIM 608615. Disease mechanism: loss of function.

Allele frequency attached by ClinVar (database versions not stated): gnomAD exomes below 0.00001.
gnomAD v4.1: 1 of 1,614,202 alleles (0.000062%); highest among the groups gnomAD compares: Non-Finnish European, 0.000085%; no homozygotes.

Submissions (2):

Ambry Genetics
Classification: Uncertain significance for Hereditary cancer-predisposing syndrome. Last evaluated: 2024-10-17. Review status: criteria provided, single submitter. Criteria: Ambry Variant Classification Scheme 2023. Collection method: clinical testing. Allele origin: germline.
Comment: The p.R262K variant (also known as c.785G>A), located in coding exon 1 of the AXIN2 gene, results from a G to A substitution at nucleotide position 785. The arginine at codon 262 is replaced by lysine, an amino acid with highly similar properties. This amino acid position is well conserved in available vertebrate species. In addition, the in silico prediction for this alteration is inconclusive. Based on the available evidence, the clinical significance of this variant remains unclear.

Labcorp Genetics (formerly Invitae), Labcorp
Classification: Uncertain significance for Oligodontia-cancer predisposition syndrome. Last evaluated: 2024-03-14. Review status: criteria provided, single submitter. Criteria: Invitae Variant Classification Sherloc (09022015). Collection method: clinical testing. Allele origin: germline.
Comment: This sequence change replaces arginine, which is basic and polar, with lysine, which is basic and polar, at codon 262 of the AXIN2 protein (p.Arg262Lys). This variant is not present in population databases (gnomAD no frequency). This variant has not been reported in the literature in individuals affected with AXIN2-related conditions. ClinVar contains an entry for this variant (Variation ID: 240031). Advanced modeling of protein sequence and biophysical properties (such as structural, functional, and spatial information, amino acid conservation, physicochemical variation, residue mobility, and thermodynamic stability) performed at Invitae indicates that this missense variant is expected to disrupt AXIN2 protein function with a positive predictive value of 80%. In summary, the available evidence is currently insufficient to determine the role of this variant in disease. Therefore, it has been classified as a Variant of Uncertain Significance.